The following is an entry in ClinVar:

ClinVar aggregate classification (germline): Uncertain significance (1 of 4 stars; one submission).

Conditions:
Neuromuscular disease caused by qualitative or quantitative defects of dysferlin. Also called: Qualitative or quantitative defects of dysferlin; Dysferlinopathy. Identifiers: Orphanet 207073, MedGen C2931687, MONDO:0016145.
Distal myopathy with anterior tibial onset. Identifiers: Orphanet 178400, MedGen C1847532, MONDO:0011721, OMIM 606768.
Miyoshi muscular dystrophy 1 (MMD1). Identifiers: Orphanet 45448, MedGen C4551973, MONDO:0024545, OMIM 254130.
Autosomal recessive limb-girdle muscular dystrophy type 2B (LGMDR2). Also called: MUSCULAR DYSTROPHY, LIMB-GIRDLE, AUTOSOMAL RECESSIVE 2; Limb-girdle muscular dystrophy, type 2B; MUSCULAR DYSTROPHY, LIMB-GIRDLE, TYPE 3; Limb-Girdle Muscular Dystrophy Type 2B (LGMD2B). Identifiers: Orphanet 268, MedGen C1850889, MONDO:0009676, OMIM 253601.

Allele frequency attached by ClinVar (database versions not stated): gnomAD exomes 0.00001; TOPMed 0.00001; ExAC 0.00002; ESP Exome Variant Server 0.00008.
gnomAD v4.1: 15 of 1,614,040 alleles (0.00093%); highest among the groups gnomAD compares: Non-Finnish European, 0.0012%; no homozygotes.

Submission:

Labcorp Genetics (formerly Invitae), Labcorp
Classification: Uncertain significance for Neuromuscular disease caused by qualitative or quantitative defects of dysferlin. Last evaluated: 2022-02-11. Review status: criteria provided, single submitter. Criteria: Invitae Variant Classification Sherloc (09022015). Collection method: clinical testing. Allele origin: germline.
Comment: This sequence change replaces histidine, which is basic and polar, with arginine, which is basic and polar, at codon 1153 of the DYSF protein (p.His1153Arg). This variant is present in population databases (rs369787216, gnomAD 0.002%). This variant has not been reported in the literature in individuals affected with DYSF-related conditions. Algorithms developed to predict the effect of missense changes on protein structure and function (SIFT, PolyPhen-2, Align-GVGD) all suggest that this variant is likely to be tolerated. In summary, the available evidence is currently insufficient to determine the role of this variant in disease. Therefore, it has been classified as a Variant of Uncertain Significance.

NM_001130987.2(DYSF):c.3512A>G (p.His1171Arg)

Gene: DYSF (dysferlin; plus strand). Cytogenetic location: 2p13.2.
Variant type: single nucleotide variant.
Coding change: c.3512A>G on transcript NM_001130987.2 (MANE Select); coding-DNA position 3512, A replaced by G.
Protein change: p.His1171Arg; replaces histidine 1171 with arginine.
Molecular consequence: missense variant.
Genome position (GRCh38, 1-based): chr2:71,590,226, A>G. VCF-style: chr2-71590226-A-G. GRCh37 (hg19) VCF-style: chr2-71817356-A-G.
Other names: c.3461A>G, p.His1154Arg (NM_001130455.2, NM_001130983.2); c.3416A>G, p.His1139Arg (NM_001130976.2, NM_001130977.2); c.3458A>G, p.His1153Arg (NM_001130978.2, NM_003494.4); c.3551A>G, p.His1184Arg (NM_001130979.2); c.3509A>G, p.His1170Arg (NM_001130980.2, NM_001130981.2); c.3554A>G, p.His1185Arg (NM_001130982.2); c.3419A>G, p.His1140Arg (NM_001130984.2, NM_001130986.2); c.3512A>G, p.His1171Arg (NM_001130985.2); and 1 more; short protein forms H1170R, H1139R, H1153R, H1154R, H1184R, H1140R, H1171R, H1185R.
Identifiers: ClinVar variation 2064189 (VCV002064189.2), dbSNP rs369787216, ClinGen allele CA1706614.
Genomic context (GRCh38, chr2:71,590,226, plus strand): 5'-CTCCAGCCACTCACTCTGGCACCTCTGTTTTTTCCCTTGGTGAAGATGGGAACCGCTACC[A>G]TCTACGCTGCTACATGTACCAGGCCCGGGACCTGGCTGCGATGGACAAGGACTCTTTTTC-3'
Protein context (NP_001124459.1, residues 1161-1181): SCIFDYGNRY[His1171Arg]LRCYMYQARD